The following is an entry in ClinVar:

ClinVar aggregate classification (germline): Likely benign. Review status: criteria provided, multiple submitters, no conflicts (2 of 4 stars). 2 submissions from 2 submitters: Likely benign (2). Last evaluated 2025-09-15.

Conditions:
KMT2B-related disorder. Also called: KMT2B-related condition; KMT2B-related disorders. Identifiers: MedGen CN381338.

gnomAD v4.1: 24 of 1,613,804 alleles (0.0015%); highest among the groups gnomAD compares: South Asian, 0.0055%; no homozygotes.

Submissions (2):

Labcorp Genetics (formerly Invitae), Labcorp
Classification: Likely benign. Last evaluated: 2025-09-15. Review status: criteria provided, single submitter. Criteria: Invitae Variant Classification Sherloc (09022015). Collection method: clinical testing. Allele origin: germline.

PreventionGenetics, part of Exact Sciences
Classification: Likely benign for KMT2B-related condition. Last evaluated: 2024-11-15. Review status: criteria provided, single submitter. Criteria: ACMG Guidelines, 2015. Collection method: clinical testing. Allele origin: germline.
Comment: This variant is classified as likely benign based on ACMG/AMP sequence variant interpretation guidelines (Richards et al. 2015 PMID: 25741868, with internal and published modifications).

NM_014727.3(KMT2B):c.5982G>A (p.Ala1994=)

Gene: KMT2B (lysine methyltransferase 2B; plus strand). Cytogenetic location: 19q13.12.
Variant type: single nucleotide variant.
Coding change: c.5982G>A on transcript NM_014727.3 (MANE Select); coding-DNA position 5982, G replaced by A.
Protein change: p.Ala1994=; no amino-acid change (alanine 1994 retained).
Molecular consequence: synonymous variant.
Genome position (GRCh38, 1-based): chr19:35,732,531, G>A. VCF-style: chr19-35732531-G-A. GRCh37 (hg19) VCF-style: chr19-36223432-G-A.
Other names: c.5982G>A (NM_014727.2).
Identifiers: ClinVar variation 4700455 (VCV004700455.2).